The following is an entry in ClinVar:

NM_015046.7(SETX):c.2387_2390del (p.Lys796fs)

Gene: SETX (senataxin; minus strand). Cytogenetic location: 9q34.13.
Variant type: Deletion.
Coding change: c.2387_2390del on transcript NM_015046.7 (MANE Select); coding-DNA positions 2387 to 2390, 4 bases deleted (AGAA; older notation c.2387_2390delAGAA).
Protein change: p.Lys796fs; shifts the reading frame from lysine 796.
Molecular consequence: frameshift variant.
Genome position (GRCh38, 1-based): chr9:132,329,208-132,329,211, TTCT deleted on the plus strand (AGAA on the coding strand, the reverse complement: SETX is on the minus strand); deleting any 4 consecutive bases within chr9:132,329,208-132,329,213 gives the same sequence; the c. name uses the placement nearest the transcript's 3' end. VCF-style (leftmost placement, unchanged base first): chr9-132329207-CTTCT-C. GRCh37 (hg19) VCF-style: chr9-135204594-CTTCT-C.
Other names: c.2387_2390del, p.Lys796fs (NM_001351527.2, NM_001351528.2); short protein forms K796fs.
Identifiers: ClinVar variation 959106 (VCV000959106.44), dbSNP rs745775419, ClinGen allele CA5297607.

ClinVar aggregate classification (germline): Pathogenic. Review status: criteria provided, multiple submitters, no conflicts (2 of 4 stars). 4 submissions from 4 submitters: Pathogenic (4). Last evaluated 2025-08-01.

Conditions:
Spinocerebellar ataxia, autosomal recessive, with axonal neuropathy 2 (SCAN2). Also called: Ataxia-ocular apraxia-2; Ataxia with Oculomotor Apraxia; Ataxia with Oculomotor Apraxia Type 2; ATAXIA-OCULOMOTOR APRAXIA 2. Identifiers: Orphanet 64753, MedGen C1853761, MONDO:0018996, OMIM 606002.
Amyotrophic lateral sclerosis type 4 (ALS4). Also called: NEURONOPATHY, DISTAL HEREDITARY MOTOR, WITH PYRAMIDAL FEATURES; AMYOTROPHIC LATERAL SCLEROSIS 4, JUVENILE. Identifiers: Orphanet 357043, MedGen C1865409, MONDO:0011223, OMIM 602433.

Submissions (4):

CeGaT Center for Human Genetics Tuebingen
Classification: Pathogenic. Last evaluated: 2025-08-01. Review status: criteria provided, single submitter. Criteria: CeGaT Center For Human Genetics Tuebingen Variant Classification Criteria Version 2. Collection method: clinical testing. Allele origin: germline. Affected: yes. Observed: 3 variant alleles.
Comment: SETX: PVS1, PM2, PM3

GeneDx
Classification: Pathogenic. Last evaluated: 2024-08-08. Review status: criteria provided, single submitter. Criteria: GeneDx Variant Classification Process June 2021. Collection method: clinical testing. Allele origin: germline. Affected: yes.
Comment: Frameshift variant predicted to result in protein truncation or nonsense mediated decay in a gene for which loss of function is a known mechanism of disease; This variant is associated with the following publications: (PMID: 22447717, 23941260, 19696032, 36530930)

Genome-Nilou Lab
Classification: Pathogenic for Spinocerebellar ataxia, autosomal recessive, with axonal neuropathy 2. Last evaluated: 2023-02-08. Review status: criteria provided, single submitter. Criteria: ACMG Guidelines, 2015. Collection method: clinical testing. Allele origin: germline.

Labcorp Genetics (formerly Invitae), Labcorp
Classification: Pathogenic for Amyotrophic lateral sclerosis type 4; Spinocerebellar ataxia, autosomal recessive, with axonal neuropathy 2. Last evaluated: 2022-10-05. Review status: criteria provided, single submitter. Criteria: Invitae Variant Classification Sherloc (09022015). Collection method: clinical testing. Allele origin: germline.
Comment: For these reasons, this variant has been classified as Pathogenic. ClinVar contains an entry for this variant (Variation ID: 959106). This premature translational stop signal has been observed in individuals with ataxia with oculomotor apraxia (PMID: 19696032, 23941260). This variant is present in population databases (rs745775419, gnomAD 0.01%). This sequence change creates a premature translational stop signal (p.Lys796Serfs*15) in the SETX gene. It is expected to result in an absent or disrupted protein product. Loss-of-function variants in SETX are known to be pathogenic (PMID: 14770181).

Literature cited by the submitters: PubMed 19696032 (cited by Labcorp Genetics (formerly Invitae), Labcorp); PubMed 23941260 (cited by Labcorp Genetics (formerly Invitae), Labcorp); PubMed 14770181 (cited by Labcorp Genetics (formerly Invitae), Labcorp).